The following is an entry in ClinVar:

NM_004994.3(MMP9):c.884A>C (p.Gln295Pro)

Gene: MMP9 (matrix metallopeptidase 9; plus strand). Cytogenetic location: 20q13.12.
Variant type: single nucleotide variant.
Coding change: c.884A>C on transcript NM_004994.3 (MANE Select); coding-DNA position 884, A replaced by C.
Protein change: p.Gln295Pro; replaces glutamine 295 with proline.
Molecular consequence: missense variant.
Genome position (GRCh38, 1-based): chr20:46,011,634, A>C. VCF-style: chr20-46011634-A-C. GRCh37 (hg19) VCF-style: chr20-44640273-A-C.
Other names: short protein forms Q295P.
Identifiers: ClinVar variation 2903282 (VCV002903282.3), dbSNP rs766897916, ClinGen allele CA315635354.

ClinVar aggregate classification (germline): Uncertain significance (1 of 4 stars; one submission).

Allele frequency attached by ClinVar (database versions not stated): gnomAD 0.00001; gnomAD exomes 0.00001; TOPMed 0.00008.
gnomAD v4.1: 6 of 1,613,312 alleles (0.00037%); highest among the groups gnomAD compares: Admixed American, 0.0083%; no homozygotes.

Submission:

Labcorp Genetics (formerly Invitae), Labcorp
Classification: Uncertain significance. Last evaluated: 2025-11-11. Review status: criteria provided, single submitter. Criteria: Invitae Variant Classification Sherloc (09022015). Collection method: clinical testing. Allele origin: germline.
Comment: This sequence change replaces glutamine, which is neutral and polar, with proline, which is neutral and non-polar, at codon 295 of the MMP9 protein (p.Gln295Pro). This variant is present in population databases (no rsID available, gnomAD 0.003%). This variant has not been reported in the literature in individuals affected with MMP9-related conditions. ClinVar contains an entry for this variant (Variation ID: 2903282). Invitae Evidence Modeling of protein sequence and biophysical properties (such as structural, functional, and spatial information, amino acid conservation, physicochemical variation, residue mobility, and thermodynamic stability) indicates that this missense variant is not expected to disrupt MMP9 protein function with a negative predictive value of 80%. Algorithms developed to predict the effect of sequence changes on RNA splicing suggest that this variant may create or strengthen a splice site. In summary, the available evidence is currently insufficient to determine the role of this variant in disease. Therefore, it has been classified as a Variant of Uncertain Significance.